The following is an entry in ClinVar:

ClinVar aggregate classification (germline): Uncertain significance (1 of 4 stars; one submission).

Submission:

GeneDx
Classification: Uncertain significance. Last evaluated: 2014-09-23. Review status: criteria provided, single submitter. Criteria: GeneDx Variant Classification (06012015). Collection method: clinical testing. Allele origin: germline. Affected: yes.
Comment: p.Thr1373Ile (ACC>ATC): c.4118 C>T in exon 30 of the MYH7 gene (NM_000257.2). A variant of unknown significance has been identified in the MYH7 gene. The T1373I variant has not been published as a mutation, nor has it been reported as a benign polymorphism to our knowledge. The T1373I variant was not observed in approximately 6,500 individuals of European and African American ancestry in the NHLBI Exome Sequencing Project, indicating it is not a common benign variant in these populations. The T1373I variant is a non-conservative amino acid substitution, which is likely to impact secondary protein structure as these residues differ in polarity, charge, size and/or other properties. This substitution occurs within the coiled coil region at a position that is conserved across species. In silico analysis predicts this variant is probably damaging to the protein structure/function. Missense mutations in nearby residues (T1377M, A1379T, R1382Q, R1382W) have been reported in association with hypertrophic cardiomyopathy, supporting the functional importance of this region of the protein. Therefore, based on the currently available information, it is unclear whether this variant is a pathogenic mutation or a rare benign variant. The variant is found in HCM panel(s).

NM_000257.4(MYH7):c.4118C>T (p.Thr1373Ile)

Gene: MYH7 (myosin heavy chain 7; minus strand). Cytogenetic location: 14q11.2.
Variant type: single nucleotide variant.
Coding change: c.4118C>T on transcript NM_000257.4 (MANE Select); coding-DNA position 4118, C replaced by T.
Protein change: p.Thr1373Ile; replaces threonine 1373 with isoleucine.
Molecular consequence: missense variant.
Genome position (GRCh38, 1-based): chr14:23,418,261, G>A on the plus strand (C>T on the coding strand, the complement: MYH7 is on the minus strand). VCF-style: chr14-23418261-G-A. GRCh37 (hg19) VCF-style: chr14-23887470-G-A.
Other names: p.T1373I:ACC>ATC; c.4118C>T (LRG_384t1); short protein forms T1373I.
Identifiers: ClinVar variation 181387 (VCV000181387.2), dbSNP rs730880908, ClinGen allele CA014462.